The following is an entry in ClinVar:

NM_032447.5(FBN3):c.2569C>T (p.Arg857Trp)

Gene: FBN3 (fibrillin 3; minus strand). Cytogenetic location: 19p13.2.
Variant type: single nucleotide variant.
Coding change: c.2569C>T on transcript NM_032447.5 (MANE Select); coding-DNA position 2569, C replaced by T.
Protein change: p.Arg857Trp; replaces arginine 857 with tryptophan.
Molecular consequence: missense variant.
Genome position (GRCh38, 1-based): chr19:8,126,333, G>A on the plus strand (C>T on the coding strand, the complement: FBN3 is on the minus strand). VCF-style: chr19-8126333-G-A. GRCh37 (hg19) VCF-style: chr19-8191217-G-A.
Other names: c.2569C>T, p.Arg857Trp (NM_001321431.2); short protein forms R857W.
Identifiers: ClinVar variation 3018990 (VCV003018990.3), dbSNP rs780755016, ClinGen allele CA9152815.

ClinVar aggregate classification (germline): Uncertain significance (1 of 4 stars; one submission).

Allele frequency attached by ClinVar (database versions not stated): TOPMed 0.00004; gnomAD 0.00001; gnomAD exomes 0.00005; ExAC 0.00008.
gnomAD v4.1: 77 of 1,590,372 alleles (0.0048%); highest among the groups gnomAD compares: Admixed American, 0.0093%; no homozygotes.

Submission:

Labcorp Genetics (formerly Invitae), Labcorp
Classification: Uncertain significance. Last evaluated: 2025-02-19. Review status: criteria provided, single submitter. Criteria: Invitae Variant Classification Sherloc (09022015). Collection method: clinical testing. Allele origin: germline.
Comment: This sequence change replaces arginine, which is basic and polar, with tryptophan, which is neutral and slightly polar, at codon 857 of the FBN3 protein (p.Arg857Trp). The frequency data for this variant in the population databases is considered unreliable, as metrics indicate poor data quality at this position in the gnomAD database. This variant has not been reported in the literature in individuals affected with FBN3-related conditions. ClinVar contains an entry for this variant (Variation ID: 3018990). Invitae Evidence Modeling of protein sequence and biophysical properties (such as structural, functional, and spatial information, amino acid conservation, physicochemical variation, residue mobility, and thermodynamic stability) indicates that this missense variant is not expected to disrupt FBN3 protein function with a negative predictive value of 80%. In summary, the available evidence is currently insufficient to determine the role of this variant in disease. Therefore, it has been classified as a Variant of Uncertain Significance.